The following is an entry in ClinVar:

NM_021930.6(RINT1):c.1589C>T (p.Ala530Val)

Gene: RINT1 (RAD50 interactor 1; plus strand). Cytogenetic location: 7q22.3.
Variant type: single nucleotide variant.
Coding change: c.1589C>T on transcript NM_021930.6 (MANE Select); coding-DNA position 1589, C replaced by T.
Protein change: p.Ala530Val; replaces alanine 530 with valine.
Molecular consequence: missense variant.
Genome position (GRCh38, 1-based): chr7:105,555,145, C>T. VCF-style: chr7-105555145-C-T. GRCh37 (hg19) VCF-style: chr7-105195592-C-T.
Other names: c.1355C>T, p.Ala452Val (NM_001346599.2); c.566C>T, p.Ala189Val (NM_001346600.2, NM_001346603.2); c.665C>T, p.Ala222Val (NM_001346601.2); short protein forms A189V, A222V, A452V, A530V.
Identifiers: ClinVar variation 3227610 (VCV003227610.1), dbSNP rs2133426832, ClinGen allele CA368811761.

ClinVar aggregate classification (germline): Uncertain significance (1 of 4 stars; one submission).

Submission:

Ambry Genetics
Classification: Uncertain significance. Last evaluated: 2023-09-28. Review status: criteria provided, single submitter. Criteria: Ambry Variant Classification Scheme 2023. Collection method: clinical testing. Allele origin: germline.
Comment: The p.A530V variant (also known as c.1589C>T), located in coding exon 11 of the RINT1 gene, results from a C to T substitution at nucleotide position 1589. The alanine at codon 530 is replaced by valine, an amino acid with similar properties. This amino acid position is conserved. In addition, this alteration is predicted to be tolerated by in silico analysis. Since supporting evidence is limited at this time, the clinical significance of this alteration remains unclear.